The following is an entry in ClinVar:

ClinVar aggregate classification (germline): Uncertain significance (1 of 4 stars; one submission).

Conditions:
Joubert syndrome 21 (JBTS21). Identifiers: MedGen C3810212, MONDO:0014288, OMIM 615636.

Submission:

Labcorp Genetics (formerly Invitae), Labcorp
Classification: Uncertain significance for Joubert syndrome 21. Last evaluated: 2022-11-01. Review status: criteria provided, single submitter. Criteria: Invitae Variant Classification Sherloc (09022015). Collection method: clinical testing. Allele origin: germline.
Comment: This sequence change replaces aspartic acid, which is acidic and polar, with glycine, which is neutral and non-polar, at codon 408 of the CSPP1 protein (p.Asp408Gly). This variant is not present in population databases (gnomAD no frequency). This variant has not been reported in the literature in individuals affected with CSPP1-related conditions. Algorithms developed to predict the effect of missense changes on protein structure and function are either unavailable or do not agree on the potential impact of this missense change (SIFT: "Deleterious"; PolyPhen-2: "Possibly Damaging"; Align-GVGD: "Class C15"). In summary, the available evidence is currently insufficient to determine the role of this variant in disease. Therefore, it has been classified as a Variant of Uncertain Significance.

NM_001382391.1(CSPP1):c.1196A>G (p.Asp399Gly)

Gene: CSPP1 (centrosome and spindle pole associated protein 1; plus strand). Cytogenetic location: 8q13.2.
Variant type: single nucleotide variant.
Coding change: c.1196A>G on transcript NM_001382391.1 (MANE Select); coding-DNA position 1196, A replaced by G.
Protein change: p.Asp399Gly; replaces aspartic acid 399 with glycine.
Molecular consequence: missense variant.
Genome position (GRCh38, 1-based): chr8:67,113,813, A>G. VCF-style: chr8-67113813-A-G. GRCh37 (hg19) VCF-style: chr8-68026048-A-G.
Other names: c.341A>G, p.Asp114Gly (NM_001291339.2); c.1115A>G, p.Asp372Gly (NM_001363131.2, NM_001363133.2); c.1196A>G, p.Asp399Gly (NM_001363132.2); c.1304A>G, p.Asp435Gly (NM_001364869.1); c.1124A>G, p.Asp375Gly (NM_001364870.1); c.1223A>G, p.Asp408Gly (NM_024790.7); short protein forms D375G, D435G, D372G, D114G, D399G, D408G.
Identifiers: ClinVar variation 1995937 (VCV001995937.4), dbSNP rs2488895256, ClinGen allele CA371197571.